The following is an entry in ClinVar:

NM_001256789.3(CACNA1F):c.2056T>G (p.Phe686Val)

Gene: CACNA1F (calcium voltage-gated channel subunit alpha1 F; minus strand). Cytogenetic location: Xp11.23.
Variant type: single nucleotide variant.
Coding change: c.2056T>G on transcript NM_001256789.3 (MANE Select); coding-DNA position 2056, T replaced by G.
Protein change: p.Phe686Val; replaces phenylalanine 686 with valine.
Molecular consequence: missense variant.
Genome position (GRCh38, 1-based): chrX:49,222,958, A>C on the plus strand (T>G on the coding strand, the complement: CACNA1F is on the minus strand). VCF-style: chrX-49222958-A-C. GRCh37 (hg19) VCF-style: chrX-49079417-A-C.
Other names: c.1894T>G, p.Phe632Val (NM_001256790.3); c.2089T>G (NM_005183.3); c.2089T>G, p.Phe697Val (NM_005183.4); short protein forms F697V, F686V, F632V.
Identifiers: ClinVar variation 4760737 (VCV004760737.2).

ClinVar aggregate classification (germline): Uncertain significance. Review status: criteria provided, multiple submitters, no conflicts (2 of 4 stars). 2 submissions from 2 submitters: Uncertain significance (2). Last evaluated 2025-12-01.

Conditions:
CACNA1F-related disorder. Also called: CACNA1F-related condition.

Submissions (2):

Labcorp Genetics (formerly Invitae), Labcorp
Classification: Uncertain significance. Last evaluated: 2025-12-01. Review status: criteria provided, single submitter. Criteria: Invitae Variant Classification Sherloc (09022015). Collection method: clinical testing. Allele origin: germline.
Comment: This sequence change replaces phenylalanine, which is neutral and non-polar, with valine, which is neutral and non-polar, at codon 697 of the CACNA1F protein (p.Phe697Val). This variant is not present in population databases (gnomAD no frequency). This variant has not been reported in the literature in individuals affected with CACNA1F-related conditions. Invitae Evidence Modeling of protein sequence and biophysical properties (such as structural, functional, and spatial information, amino acid conservation, physicochemical variation, residue mobility, and thermodynamic stability) indicates that this missense variant is expected to disrupt CACNA1F protein function with a positive predictive value of 80%. In summary, the available evidence is currently insufficient to determine the role of this variant in disease. Therefore, it has been classified as a Variant of Uncertain Significance.

PreventionGenetics, part of Exact Sciences
Classification: Uncertain significance for CACNA1F-related condition. Last evaluated: 2025-10-16. Review status: criteria provided, single submitter. Criteria: ACMG Guidelines, 2015. Collection method: clinical testing. Allele origin: germline.
Comment: The CACNA1F c.2089T>G variant is predicted to result in the amino acid substitution p.Phe697Val. To our knowledge, this variant has not been reported in the literature. This variant is absent in a large population database (gnomAD), indicating this variant is rare. At this time, the clinical significance of this variant is uncertain due to the absence of conclusive functional and genetic evidence.